The following is an entry in ClinVar:

ClinVar aggregate classification (germline): Likely benign. Review status: criteria provided, single submitter (1 of 4 stars). 2 submissions from 2 submitters: Likely benign (1). 1 of the submissions does not count toward it. Last evaluated 2025-03-13.

Conditions:
Rubinstein-Taybi syndrome (RSTS). Identifiers: Orphanet 783, MedGen C0035934, MONDO:0019188.
CREBBP-related disorder. Also called: CREBBP-related condition; CREBBP-related disorders.

gnomAD v4.1: 42 of 1,613,498 alleles (0.0026%); highest among the groups gnomAD compares: Non-Finnish European, 0.0033%; no homozygotes.

Submissions (2):

Labcorp Genetics (formerly Invitae), Labcorp
Classification: Likely benign for Rubinstein-Taybi syndrome. Last evaluated: 2025-03-13. Review status: criteria provided, single submitter. Criteria: Invitae Variant Classification Sherloc (09022015). Collection method: clinical testing. Allele origin: germline.

PreventionGenetics, part of Exact Sciences
Classification: Likely benign for CREBBP-related condition. Last evaluated: 2024-01-04. Review status: no assertion criteria provided. Collection method: clinical testing. Allele origin: germline. Not counted in ClinVar's aggregate classification.
Comment: This variant is classified as likely benign based on ACMG/AMP sequence variant interpretation guidelines (Richards et al. 2015 PMID: 25741868, with internal and published modifications).

NM_004380.3(CREBBP):c.2571G>A (p.Pro857=)

Gene: CREBBP (CREB binding lysine acetyltransferase; minus strand). Cytogenetic location: 16p13.3.
Variant type: single nucleotide variant.
Coding change: c.2571G>A on transcript NM_004380.3 (MANE Select); coding-DNA position 2571, G replaced by A.
Protein change: p.Pro857=; no amino-acid change (proline 857 retained).
Molecular consequence: synonymous variant.
Genome position (GRCh38, 1-based): chr16:3,770,879, C>T on the plus strand (G>A on the coding strand, the complement: CREBBP is on the minus strand). VCF-style: chr16-3770879-C-T. GRCh37 (hg19) VCF-style: chr16-3820880-C-T.
Other names: c.2571G>A (NM_004380.2); c.2457G>A, p.Pro819= (NM_001079846.1).
Identifiers: ClinVar variation 2920599 (VCV002920599.5), dbSNP rs750068674, ClinGen allele CA7870074.